The following is an entry in ClinVar:

ClinVar aggregate classification (germline): Uncertain significance. Review status: criteria provided, multiple submitters, no conflicts (2 of 4 stars). 2 submissions from 2 submitters: Uncertain significance (2). Last evaluated 2024-11-04.

Conditions:
Usher syndrome type 3B. Also called: USHER SYNDROME, TYPE IIIB. Identifiers: MedGen C3281066, MONDO:0013788, OMIM 614504.

Submissions (2):

Blueprint Genetics
Classification: Uncertain significance. Last evaluated: 2024-11-04. Review status: criteria provided, single submitter. Criteria: ACMG Guidelines, 2015. Collection method: clinical testing. Allele origin: germline.

Labcorp Genetics (formerly Invitae), Labcorp
Classification: Uncertain significance for Usher syndrome type 3B. Last evaluated: 2022-06-13. Review status: criteria provided, single submitter. Criteria: Invitae Variant Classification Sherloc (09022015). Collection method: clinical testing. Allele origin: germline.
Comment: This sequence change replaces leucine, which is neutral and non-polar, with valine, which is neutral and non-polar, at codon 117 of the HARS protein (p.Leu117Val). This variant is not present in population databases (gnomAD no frequency). This variant has not been reported in the literature in individuals affected with HARS-related conditions. ClinVar contains an entry for this variant (Variation ID: 959246). Algorithms developed to predict the effect of missense changes on protein structure and function are either unavailable or do not agree on the potential impact of this missense change (SIFT: "Deleterious"; PolyPhen-2: "Probably Damaging"; Align-GVGD: "Class C0"). In summary, the available evidence is currently insufficient to determine the role of this variant in disease. Therefore, it has been classified as a Variant of Uncertain Significance.

NM_002109.6(HARS1):c.349C>G (p.Leu117Val)

Gene: HARS1 (histidyl-tRNA synthetase 1; minus strand). Cytogenetic location: 5q31.3.
Variant type: single nucleotide variant.
Coding change: c.349C>G on transcript NM_002109.6 (MANE Select); coding-DNA position 349, C replaced by G.
Protein change: p.Leu117Val; replaces leucine 117 with valine.
Molecular consequence: missense variant. On other transcripts: intron variant (2).
Genome position (GRCh38, 1-based): chr5:140,679,835, G>C on the plus strand (C>G on the coding strand, the complement: HARS1 is on the minus strand). VCF-style: chr5-140679835-G-C. GRCh37 (hg19) VCF-style: chr5-140059420-G-C.
Other names: c.229C>G, p.Leu77Val (NM_001258040.3, NM_001258042.3); c.349C>G, p.Leu117Val (NM_001258041.3); c.262C>G, p.Leu88Val (NM_001289094.2); c.181-1820C>G (NM_001289093.2); c.301-1820C>G (NM_001289092.2); short protein forms L77V, L117V, L88V.
Identifiers: ClinVar variation 959246 (VCV000959246.8), dbSNP rs1758613182, ClinGen allele CA361257800.
Genomic context (GRCh38, chr5:140,679,835, plus strand): 5'-TTTAGAAAGATACAGTGAGGTCATAGCGAAGGGACAGGAGCTCCCCGCCCTGGTCCTTCA[G>C]GTCATAGATAAGCTTGGAGTCTTCCCCATACTTTCCCATCAGTGTTTCCTGGAGAAAACA-3'
Protein context (NP_002100.2, residues 107-127): YGEDSKLIYD[Leu117Val]KDQGGELLSL